The following is an entry in ClinVar:

NM_201384.3(PLEC):c.3796G>C (p.Glu1266Gln)

Gene: PLEC (plectin; minus strand). Cytogenetic location: 8q24.3.
Variant type: single nucleotide variant.
Coding change: c.3796G>C on transcript NM_201384.3 (MANE Select); coding-DNA position 3796, G replaced by C.
Protein change: p.Glu1266Gln; replaces glutamic acid 1266 with glutamine.
Molecular consequence: missense variant.
Genome position (GRCh38, 1-based): chr8:143,927,296, C>G on the plus strand (G>C on the coding strand, the complement: PLEC is on the minus strand). VCF-style: chr8-143927296-C-G. GRCh37 (hg19) VCF-style: chr8-145001464-C-G.
Other names: c.3796G>C, p.Glu1266Gln (NM_201382.4); c.3808G>C, p.Glu1270Gln (NM_201383.3); c.3877G>C, p.Glu1293Gln (NM_000445.5, NM_001410941.1); c.3754G>C, p.Glu1252Gln (NM_201378.4); c.3730G>C, p.Glu1244Gln (NM_201379.3); c.4207G>C, p.Glu1403Gln (NM_201380.4); c.3700G>C, p.Glu1234Gln (NM_201381.3); short protein forms E1293Q, E1234Q, E1266Q, E1403Q, E1252Q, E1270Q, E1244Q.
Identifiers: ClinVar variation 2933375 (VCV002933375.3), dbSNP rs377647607, ClinGen allele CA372564546.
Genomic context (GRCh38, chr8:143,927,296, plus strand): 5'-GGCGGCTGGGCCTCACCTTGATGGCGTTGATGTACTGTTTCGCAAACCTCTGGCACTCCT[C>G]GACCTTCTCGCCGTGGCGCTCGATCTCCTCCAGCAGGGCCTGGGTGATGGTGTGGTCAGA-3'
Protein context (NP_958786.1, residues 1256-1276): EEIERHGEKV[Glu1266Gln]ECQRFAKQYI

ClinVar aggregate classification (germline): Uncertain significance (1 of 4 stars; one submission).

Conditions:
Epidermolysis bullosa simplex with nail dystrophy (EBS5D). Identifiers: MedGen C4225309, MONDO:0014661, OMIM 616487.
Epidermolysis bullosa simplex 5C, with pyloric atresia (EBS5C). Also called: PLEC-Related Epidermolysis Bullosa with Pyloric Atresia; Epidermolysis bullosa simplex with pyloric atresia; PLEC1-Related Epidermolysis Bullosa with Pyloric Atresia. Identifiers: Orphanet 158684, MedGen C2677349, MONDO:0012807, OMIM 612138.
Autosomal recessive limb-girdle muscular dystrophy type 2Q (LGMDR17). Also called: MUSCULAR DYSTROPHY, LIMB-GIRDLE, AUTOSOMAL RECESSIVE 17. Identifiers: Orphanet 254361, MedGen C3150989, MONDO:0013390, OMIM 613723.
Epidermolysis bullosa simplex, Ogna type (EBS5A). Also called: Pidermolysis bullosa simplex 5A, Ogna type; EPIDERMOLYSIS BULLOSA SIMPLEX 5A, OGNA TYPE. Identifiers: Orphanet 79401, MedGen C0432317, MONDO:0007555, OMIM 131950.
Epidermolysis bullosa simplex 5B, with muscular dystrophy (EBS5B). Also called: EPIDERMOLYSIS BULLOSA SIMPLEX AND LIMB-GIRDLE MUSCULAR DYSTROPHY; Epidermolysis bullosa simplex with muscular dystrophy. Identifiers: Orphanet 257, MedGen C2931072, MONDO:0009181, OMIM 226670.

gnomAD v4.1: 11 of 1,613,324 alleles (0.00068%); highest among the groups gnomAD compares: Non-Finnish European, 0.00085%; no homozygotes.

Submission:

Labcorp Genetics (formerly Invitae), Labcorp
Classification: Uncertain significance for Autosomal recessive limb-girdle muscular dystrophy type 2Q; Epidermolysis bullosa simplex, Ogna type; Epidermolysis bullosa simplex with nail dystrophy; Epidermolysis bullosa simplex 5C, with pyloric atresia; Epidermolysis bullosa simplex 5B, with muscular dystrophy. Last evaluated: 2023-11-27. Review status: criteria provided, single submitter. Criteria: Invitae Variant Classification Sherloc (09022015). Collection method: clinical testing. Allele origin: germline.
Comment: This sequence change replaces glutamic acid, which is acidic and polar, with glutamine, which is neutral and polar, at codon 1293 of the PLEC protein (p.Glu1293Gln). This variant is present in population databases (no rsID available, gnomAD 0.0009%). This variant has not been reported in the literature in individuals affected with PLEC-related conditions. Advanced modeling of protein sequence and biophysical properties (such as structural, functional, and spatial information, amino acid conservation, physicochemical variation, residue mobility, and thermodynamic stability) has been performed at Invitae for this missense variant, however the output from this modeling did not meet the statistical confidence thresholds required to predict the impact of this variant on PLEC protein function. In summary, the available evidence is currently insufficient to determine the role of this variant in disease. Therefore, it has been classified as a Variant of Uncertain Significance.